The following is an entry in ClinVar:

ClinVar aggregate classification (germline): Uncertain significance (1 of 4 stars; one submission).

Submission:

Ambry Genetics
Classification: Uncertain significance. Last evaluated: 2024-03-25. Review status: criteria provided, single submitter. Criteria: Ambry Variant Classification Scheme 2023. Collection method: clinical testing. Allele origin: germline.
Comment: The p.G9A variant (also known as c.26G>C), located in coding exon 1 of the EGLN1 gene, results from a G to C substitution at nucleotide position 26. The glycine at codon 9 is replaced by alanine, an amino acid with similar properties. This amino acid position is conserved. In addition, this alteration is predicted to be tolerated by in silico analysis. Based on the available evidence, the clinical significance of this alteration remains unclear.

NM_022051.3(EGLN1):c.26G>C (p.Gly9Ala)

Gene: EGLN1 (egl-9 family hypoxia inducible factor 1; minus strand). Cytogenetic location: 1q42.2.
Variant type: single nucleotide variant.
Coding change: c.26G>C on transcript NM_022051.3 (MANE Select); coding-DNA position 26, G replaced by C.
Protein change: p.Gly9Ala; replaces glycine 9 with alanine.
Molecular consequence: missense variant.
Genome position (GRCh38, 1-based): chr1:231,421,863, C>G on the plus strand (G>C on the coding strand, the complement: EGLN1 is on the minus strand). VCF-style: chr1-231421863-C-G. GRCh37 (hg19) VCF-style: chr1-231557609-C-G.
Other names: c.26G>C, p.Gly9Ala (NM_001377260.1, NM_001377261.1); short protein forms G9A.
Identifiers: ClinVar variation 3274775 (VCV003274775.1).